The following is an entry in ClinVar:

NM_001267550.2(TTN):c.30282T>G (p.Ser10094=)

Gene: TTN (titin; minus strand). Cytogenetic location: 2q31.2.
Variant type: single nucleotide variant.
Coding change: c.30282T>G on transcript NM_001267550.2 (MANE Select); coding-DNA position 30282, T replaced by G.
Protein change: p.Ser10094=; no amino-acid change (serine 10094 retained).
Molecular consequence: synonymous variant. On other transcripts: intron variant (3).
Genome position (GRCh38, 1-based): chr2:178,702,605, A>C on the plus strand (T>G on the coding strand, the complement: TTN is on the minus strand). VCF-style: chr2-178702605-A-C. GRCh37 (hg19) VCF-style: chr2-179567332-A-C.
Other names: c.29331T>G, p.Ser9777= (NM_001256850.1); c.26550T>G, p.Ser8850= (NM_133378.4); c.13282+35477T>G (NM_003319.4); c.13858+35477T>G (NM_133437.4); c.13657+35477T>G (NM_133432.3).
Identifiers: ClinVar variation 283048 (VCV000283048.16), dbSNP rs886042543, ClinGen allele CA10604379.

ClinVar aggregate classification (germline): Conflicting classifications of pathogenicity. Review status: criteria provided, conflicting classifications (1 of 4 stars). 3 submissions from 3 submitters: Uncertain significance (1); Likely benign (2). Last evaluated 2025-11-16.

Conditions:
TTN-related disorder. Also called: TTN-related condition; TTN-related disease; TTN-related disorders.
Dilated cardiomyopathy 1G (CMD1G). Identifiers: Orphanet 154, MedGen C1858763, MONDO:0011400, OMIM 604145.
Autosomal recessive limb-girdle muscular dystrophy type 2J (LGMDR10). Also called: Limb-girdle muscular dystrophy, type 2J; MUSCULAR DYSTROPHY, LIMB-GIRDLE, AUTOSOMAL RECESSIVE 10. Identifiers: Orphanet 140922, MedGen C1837342, MONDO:0012127, OMIM 608807.

Allele frequency attached by ClinVar (database versions not stated): gnomAD 0.00001; TOPMed 0.00001.
gnomAD v4.1: 34 of 1,613,908 alleles (0.0021%); highest among the groups gnomAD compares: Non-Finnish European, 0.0029%; no homozygotes.

Submissions (3):

Labcorp Genetics (formerly Invitae), Labcorp
Classification: Likely benign for Dilated cardiomyopathy 1G; Autosomal recessive limb-girdle muscular dystrophy type 2J. Last evaluated: 2025-11-16. Review status: criteria provided, single submitter. Criteria: Invitae Variant Classification Sherloc (09022015). Collection method: clinical testing. Allele origin: germline.

PreventionGenetics, part of Exact Sciences
Classification: Likely benign for TTN-related condition. Last evaluated: 2025-03-19. Review status: criteria provided, single submitter. Criteria: ACMG Guidelines, 2015. Collection method: clinical testing. Allele origin: germline.
Comment: This variant is classified as likely benign based on ACMG/AMP sequence variant interpretation guidelines (Richards et al. 2015 PMID: 25741868, with internal and published modifications).

Eurofins Ntd Llc (ga)
Classification: Uncertain significance. Last evaluated: 2015-09-01. Review status: criteria provided, single submitter. Criteria: EGL Classification Definitions 2015. Collection method: clinical testing. Allele origin: germline. Observed: 1 variant allele, 1 heterozygote.